The following is an entry in ClinVar:

NM_000330.4(RS1):c.620A>C (p.His207Pro)

Genes: CDKL5 (cyclin dependent kinase like 5; plus strand), RS1 (retinoschisin 1; minus strand). Cytogenetic location: Xp22.13.
Variant type: single nucleotide variant.
Coding change: c.620A>C on transcript NM_000330.4 (MANE Select); coding-DNA position 620, A replaced by C.
Protein change: p.His207Pro; replaces histidine 207 with proline.
Molecular consequence: missense variant. On other transcripts: intron variant (2).
Genome position (GRCh38, 1-based): chrX:18,642,059, T>G on the plus strand (A>C on the coding strand, the complement: RS1 is on the minus strand). VCF-style: chrX-18642059-T-G. GRCh37 (hg19) VCF-style: chrX-18660179-T-G.
Other names: c.2714-3948T>G (NM_003159.3, NM_001037343.2); short protein forms H207P.
Identifiers: ClinVar variation 4871870 (VCV004871870.1).

ClinVar aggregate classification (germline): Likely pathogenic (1 of 4 stars; one submission).

Conditions:
Retinal disorder. Also called: Retinopathy; Retinopathies; Retinal Diseases; Retinal disorders. Identifiers: MedGen C0035309, MONDO:0005283, HP:0000488.

Submission:

Genetics Laboratory, Great Ormond Street Hospital NHS Foundation Trust, North Thames Genomic Laboratory Hub
Classification: Likely pathogenic for Retinal disorders. Last evaluated: 2026-05-22. Review status: criteria provided, single submitter. Criteria: ACGS Best Practice Guidelines for Variant Classification in Rare Disease 2024 v1.2. Collection method: clinical testing. Allele origin: germline. Affected: yes.
Comment: PM2_moderate, PP3_supporting, PM5_moderate, PP4_supporting